The following is an entry in ClinVar:

ClinVar aggregate classification (germline): Pathogenic (1 of 4 stars; one submission).

Conditions:
Inborn genetic diseases. Identifiers: MedGen C0950123, MeSH D030342.

Submission:

Ambry Genetics
Classification: Pathogenic for Inborn genetic diseases. Last evaluated: 2021-01-28. Review status: criteria provided, single submitter. Criteria: Ambry Variant Classification Scheme 2023. Collection method: clinical testing. Allele origin: germline.
Comment: The c.5408dupA (p.N1803Kfs*5) alteration, located in exon 26 (coding exon 25) of the C5orf42 gene, consists of a duplication of A at position 5408, causing a translational frameshift with a predicted alternate stop codon after 5 amino acids. This alteration is expected to result in loss of function by premature protein truncation or nonsense-mediated mRNA decay. Based on the available evidence, this alteration is classified as pathogenic.

NM_001384732.1(CPLANE1):c.5408dup (p.Asn1803fs)

Gene: CPLANE1 (ciliogenesis and planar polarity effector complex subunit 1; minus strand). Cytogenetic location: 5p13.2.
Variant type: Duplication.
Coding change: c.5408dup on transcript NM_001384732.1 (MANE Select); coding-DNA position 5408, one base duplicated (A; older notation c.5408dupA).
Protein change: p.Asn1803fs; shifts the reading frame from asparagine 1803.
Molecular consequence: frameshift variant.
Genome position (GRCh38, 1-based): chr5:37,182,773, T duplicated on the plus strand (A on the coding strand, the reverse complement: CPLANE1 is on the minus strand); the first of 6 consecutive T bases (chr5:37,182,773-37,182,778); duplicating any one gives the same sequence. VCF-style (leftmost placement, unchanged base first): chr5-37182772-A-AT. GRCh37 (hg19) VCF-style: chr5-37182874-A-AT.
Other names: c.5408dup, p.Asn1803fs (NM_023073.4); short protein forms N1803fs.
Identifiers: ClinVar variation 3076684 (VCV003076684.1), dbSNP rs2547819386, ClinGen allele CA2673586222.
Genomic context (GRCh38, chr5:37,182,772, plus strand): 5'-TAAAATGAGAATTCTCATTTGTAAGTAATAAACAATTGATATGCTTACCTTAATAATGGC[A>AT]TTTTTTGCCTTATATGTAGCAAAATAGGGTTGTTCCAAAAGCCATAATGATGTAAGAATG-3'